The following is an entry in ClinVar:

NM_001077653.2(TBX20):c.1331C>T (p.Thr444Met)

Gene: TBX20 (T-box transcription factor 20; minus strand). Cytogenetic location: 7p14.2.
Variant type: single nucleotide variant.
Coding change: c.1331C>T on transcript NM_001077653.2 (MANE Select); coding-DNA position 1331, C replaced by T.
Protein change: p.Thr444Met; replaces threonine 444 with methionine.
Molecular consequence: missense variant.
Genome position (GRCh38, 1-based): chr7:35,202,443, G>A on the plus strand (C>T on the coding strand, the complement: TBX20 is on the minus strand). VCF-style: chr7-35202443-G-A. GRCh37 (hg19) VCF-style: chr7-35242055-G-A.
Other names: c.1331C>T, p.Thr444Met (LRG_755t1); short protein forms T444M.
Identifiers: ClinVar variation 519187 (VCV000519187.18), dbSNP rs201217462, ClinGen allele CA4217312.

ClinVar aggregate classification (germline): Conflicting classifications of pathogenicity. Review status: criteria provided, conflicting classifications (1 of 4 stars). 3 submissions from 3 submitters: Uncertain significance (1); Likely benign (2). Last evaluated 2026-01-19.

Conditions:
Cardiovascular phenotype. Identifiers: MedGen CN230736.

Allele frequency attached by ClinVar (database versions not stated): ESP Exome Variant Server 0.00008; gnomAD 0.00009; TOPMed 0.00010; gnomAD exomes 0.00011 and 0.00012; ExAC 0.00013; 1000 Genomes Project 30x 0.00031.
gnomAD v4.1: 184 of 1,559,766 alleles (0.012%); highest among the groups gnomAD compares: Non-Finnish European, 0.011%; no homozygotes.

Submissions (3):

Labcorp Genetics (formerly Invitae), Labcorp
Classification: Likely benign. Last evaluated: 2026-01-19. Review status: criteria provided, single submitter. Criteria: Invitae Variant Classification Sherloc (09022015). Collection method: clinical testing. Allele origin: germline.

Ambry Genetics
Classification: Likely benign for Cardiovascular phenotype. Last evaluated: 2023-03-09. Review status: criteria provided, single submitter. Criteria: Ambry Variant Classification Scheme 2023. Collection method: clinical testing. Allele origin: germline.

GeneDx
Classification: Uncertain significance. Last evaluated: 2021-04-07. Review status: criteria provided, single submitter. Criteria: GeneDx Variant Classification Process June 2021. Collection method: clinical testing. Allele origin: germline. Affected: yes.
Comment: Reported as a single nucleotide polymorphism (SNP) in an individual with an atrial septal defect (Monroy-Munoz et al., 2015); Reported in ClinVar as a variant of uncertain significance (ClinVar Variant ID# 519187; Landrum et al., 2016); In silico analysis supports that this missense variant does not alter protein structure/function; This variant is associated with the following publications: (PMID: 25834824)

Literature cited by the submitters: PubMed 19074289 (cited by Ambry Genetics); PubMed 25834824 (cited by Ambry Genetics); PubMed 29089047 (cited by Ambry Genetics).